The following is an entry in ClinVar:

ClinVar aggregate classification (germline): Benign/Likely benign. Review status: criteria provided, multiple submitters, no conflicts (2 of 4 stars). 2 submissions from 2 submitters: Benign (1); Likely benign (1). Last evaluated 2024-07-01.

Conditions:
Primary ciliary dyskinesia. Also called: Ciliary dyskinesia. Identifiers: Orphanet 244, MedGen C0008780, MONDO:0016575, HP:0012265.

Allele frequency attached by ClinVar (database versions not stated): gnomAD 0.00005; ExAC 0.00007.
gnomAD v4.1: 24 of 1,569,760 alleles (0.0015%); highest among the groups gnomAD compares: Admixed American, 0.0019%; no homozygotes.

Submissions (2):

Labcorp Genetics (formerly Invitae), Labcorp
Classification: Benign for Primary ciliary dyskinesia. Last evaluated: 2024-07-01. Review status: criteria provided, single submitter. Criteria: Invitae Variant Classification Sherloc (09022015). Collection method: clinical testing. Allele origin: germline.

CeGaT Center for Human Genetics Tuebingen
Classification: Likely benign. Last evaluated: 2024-02-01. Review status: criteria provided, single submitter. Criteria: CeGaT Center For Human Genetics Tuebingen Variant Classification Criteria Version 2. Collection method: clinical testing. Allele origin: germline. Affected: yes. Observed: 1 variant allele.
Comment: DNAH11: BP4, BP7

NM_001277115.2(DNAH11):c.7140A>G (p.Leu2380=)

Gene: DNAH11 (dynein axonemal heavy chain 11; plus strand). Cytogenetic location: 7p15.3.
Variant type: single nucleotide variant.
Coding change: c.7140A>G on transcript NM_001277115.2 (MANE Select); coding-DNA position 7140, A replaced by G.
Protein change: p.Leu2380=; no amino-acid change (leucine 2380 retained).
Molecular consequence: synonymous variant.
Genome position (GRCh38, 1-based): chr7:21,720,730, A>G. VCF-style: chr7-21720730-A-G. GRCh37 (hg19) VCF-style: chr7-21760348-A-G.
Other names: c.7161A>G, p.Leu2387= (NM_003777.3).
Identifiers: ClinVar variation 2898370 (VCV002898370.25), dbSNP rs750362710, ClinGen allele CA4181135.